The following is an entry in ClinVar:

ClinVar aggregate classification (germline): Benign/Likely benign. Review status: criteria provided, multiple submitters, no conflicts (2 of 4 stars). 3 submissions from 3 submitters: Benign (1); Likely benign (2). Last evaluated 2025-12-01.

Allele frequency attached by ClinVar (database versions not stated): gnomAD exomes 0.00035 and 0.00107; gnomAD 0.00036 and 0.00049; TOPMed 0.00066; ExAC 0.00096; 1000 Genomes Project 30x 0.00219; 1000 Genomes Project 0.00220.
gnomAD v4.1: 602 of 1,602,342 alleles (0.038%); highest among the groups gnomAD compares: East Asian, 1.1%; 3 homozygotes.

Submissions (3):

CeGaT Center for Human Genetics Tuebingen
Classification: Likely benign. Last evaluated: 2025-12-01. Review status: criteria provided, single submitter. Criteria: CeGaT Center For Human Genetics Tuebingen Variant Classification Criteria Version 2. Collection method: clinical testing. Allele origin: germline. Affected: yes. Observed: 1 variant allele.
Comment: CIT: BP4, BS1

Labcorp Genetics (formerly Invitae), Labcorp
Classification: Benign. Last evaluated: 2024-07-10. Review status: criteria provided, single submitter. Criteria: Invitae Variant Classification Sherloc (09022015). Collection method: clinical testing. Allele origin: germline.

GeneDx
Classification: Likely benign. Last evaluated: 2019-10-20. Review status: criteria provided, single submitter. Criteria: GeneDx Variant Classification Process June 2021. Collection method: clinical testing. Allele origin: germline. Affected: yes.

NM_001206999.2(CIT):c.6189C>G (p.Val2063=)

Gene: CIT (citron rho-interacting serine/threonine kinase; minus strand). Cytogenetic location: 12q24.23.
Variant type: single nucleotide variant.
Coding change: c.6189C>G on transcript NM_001206999.2 (MANE Select); coding-DNA position 6189, C replaced by G.
Protein change: p.Val2063=; no amino-acid change (valine 2063 retained).
Molecular consequence: synonymous variant.
Genome position (GRCh38, 1-based): chr12:119,688,253, G>C on the plus strand (C>G on the coding strand, the complement: CIT is on the minus strand). VCF-style: chr12-119688253-G-C. GRCh37 (hg19) VCF-style: chr12-120126058-G-C.
Other names: c.6063C>G, p.Val2021= (NM_007174.3).
Identifiers: ClinVar variation 731244 (VCV000731244.17), dbSNP rs56212782, ClinGen allele CA6820608.